The following is an entry in ClinVar:

ClinVar aggregate classification (germline): Uncertain significance (1 of 4 stars; one submission).

gnomAD v4.1: 1 of 1,612,002 alleles (0.000062%); highest among the groups gnomAD compares: Non-Finnish European, 0.000085%; no homozygotes.

Submission:

Labcorp Genetics (formerly Invitae), Labcorp
Classification: Uncertain significance. Last evaluated: 2021-12-07. Review status: criteria provided, single submitter. Criteria: Invitae Variant Classification Sherloc (09022015). Collection method: clinical testing. Allele origin: germline.
Comment: This sequence change replaces lysine, which is basic and polar, with arginine, which is basic and polar, at codon 245 of the RETREG1 protein (p.Lys245Arg). This variant is present in population databases (no rsID available, gnomAD 0.0009%). This variant has not been reported in the literature in individuals affected with RETREG1-related conditions. ClinVar contains an entry for this variant (Variation ID: 648630). Algorithms developed to predict the effect of missense changes on protein structure and function are either unavailable or do not agree on the potential impact of this missense change (SIFT: "Deleterious"; PolyPhen-2: "Benign"; Align-GVGD: "Class C0"). In summary, the available evidence is currently insufficient to determine the role of this variant in disease. Therefore, it has been classified as a Variant of Uncertain Significance.

NM_001034850.3(RETREG1):c.734A>G (p.Lys245Arg)

Gene: RETREG1 (reticulophagy regulator 1; minus strand). Cytogenetic location: 5p15.1.
Variant type: single nucleotide variant.
Coding change: c.734A>G on transcript NM_001034850.3 (MANE Select); coding-DNA position 734, A replaced by G.
Protein change: p.Lys245Arg; replaces lysine 245 with arginine.
Molecular consequence: missense variant.
Genome position (GRCh38, 1-based): chr5:16,478,924, T>C on the plus strand (A>G on the coding strand, the complement: RETREG1 is on the minus strand). VCF-style: chr5-16478924-T-C. GRCh37 (hg19) VCF-style: chr5-16479033-T-C.
Other names: c.311A>G, p.Lys104Arg (NM_019000.5); short protein forms K245R, K104R.
Identifiers: ClinVar variation 648630 (VCV000648630.4), dbSNP rs1211346227, ClinGen allele CA359258618.